The following is an entry in ClinVar:

ClinVar aggregate classification (germline): Uncertain significance (1 of 4 stars; one submission).

Conditions:
Leigh syndrome (NULS). Also called: Leigh's necrotizing encephalopathy; Leigh's disease; Leigh Syndrome (mtDNA deletion); Leigh Disease; Subacute necrotizing encephalopathy; Necrotizing encephalopathy infantile subacute of Leigh. Identifiers: Orphanet 506, MedGen C2931891, MONDO:0009723, OMIM 256000.

Submission:

Wong Mito Lab, Molecular and Human Genetics, Baylor College of Medicine
Classification: Uncertain significance for Leigh syndrome. Last evaluated: 2019-10-17. Review status: criteria provided, single submitter. Criteria: Modified ACMG Guidelines (Unpublished). Collection method: clinical testing. Allele origin: germline.
Comment: The NC_012920.1:m.9267G>A (YP_003024032.1:p.Ala21Thr) variant in MTCO3 gene is interpretated to be a Uncertain Significance variant based on the modified ACMG guidelines (unpublished). This variant meets the following evidence codes: PP7

NC_012920.1(MT-CO3):m.9267G>A

Gene: MT-CO3 (mitochondrially encoded cytochrome c oxidase III; plus strand).
Variant type: single nucleotide variant.
Genome position: chrM-9267-G-A.
Identifiers: ClinVar variation 693134 (VCV000693134.1), dbSNP rs1556423650, ClinGen allele CA414802564.